The following is an entry in ClinVar:

ClinVar aggregate classification (germline): Pathogenic (1 of 4 stars; one submission).

Conditions:
Chédiak-Higashi syndrome (CHS). Also called: Chediak-Higashi Syndrome. Identifiers: Orphanet 167, MedGen C0007965, MONDO:0008963, OMIM 214500.

Submission:

Labcorp Genetics (formerly Invitae), Labcorp
Classification: Pathogenic for Chédiak-Higashi syndrome. Last evaluated: 2023-05-15. Review status: criteria provided, single submitter. Criteria: Invitae Variant Classification Sherloc (09022015). Collection method: clinical testing. Allele origin: germline.
Comment: This sequence change creates a premature translational stop signal (p.Leu192*) in the LYST gene. It is expected to result in an absent or disrupted protein product. Loss-of-function variants in LYST are known to be pathogenic (PMID: 9215679, 11857544). For these reasons, this variant has been classified as Pathogenic. ClinVar contains an entry for this variant (Variation ID: 1350886). This variant is not present in population databases (gnomAD no frequency). This variant has not been reported in the literature in individuals affected with LYST-related conditions.

Literature cited by the submitters: PubMed 9215679; PubMed 11857544.

NM_000081.4(LYST):c.575del (p.Phe191_Leu192insTer)

Gene: LYST (lysosomal trafficking regulator; minus strand). Cytogenetic location: 1q42.3.
Variant type: Deletion.
Coding change: c.575del on transcript NM_000081.4 (MANE Select); coding-DNA position 575, one base deleted (T; older notation c.575delT).
Protein change: p.Phe191_Leu192insTer.
Molecular consequence: nonsense.
Genome position (GRCh38, 1-based): chr1:235,810,243, A deleted on the plus strand (T on the coding strand, the reverse complement: LYST is on the minus strand); the first of 6 consecutive A bases (chr1:235,810,243-235,810,248); deleting any one gives the same sequence. VCF-style (leftmost placement, unchanged base first): chr1-235810242-TA-T. GRCh37 (hg19) VCF-style: chr1-235973542-TA-T.
Other names: c.575del, p.Phe191_Leu192insTer (NM_001301365.1).
Identifiers: ClinVar variation 1350886 (VCV001350886.5), dbSNP rs2527128643, ClinGen allele CA424028689.